The following is an entry in ClinVar:

ClinVar aggregate classification (germline): Benign/Likely benign. Review status: criteria provided, multiple submitters, no conflicts (2 of 4 stars). 6 submissions from 6 submitters: Benign (2); Likely benign (4). Last evaluated 2026-07-01.

Conditions:
Hereditary cancer-predisposing syndrome. Also called: Hereditary neoplastic syndrome; Tumor predisposition; Neoplastic Syndromes, Hereditary; Hereditary Cancer Syndrome. Identifiers: Orphanet 140162, MedGen C0027672, MeSH D009386, MONDO:0015356.
Tuberous sclerosis syndrome (TSC). Also called: Tuberous Sclerosis Complex; Tuberous sclerosis. Identifiers: Orphanet 805, MedGen C0041341, MONDO:0001734.
Tuberous sclerosis 1 (TSC1). Identifiers: Orphanet 805, MedGen C1854465, MONDO:0008612, OMIM 191100.

Allele frequency attached by ClinVar (database versions not stated): ExAC 0.00001; gnomAD exomes 0.00001; TOPMed 0.00002.

Submissions (6):

CeGaT Center for Human Genetics Tuebingen
Classification: Likely benign. Last evaluated: 2026-07-01. Review status: criteria provided, single submitter. Criteria: CeGaT Center For Human Genetics Tuebingen Variant Classification Criteria Version 2. Collection method: clinical testing. Allele origin: germline. Affected: yes. Observed: 1 variant allele.
Comment: TSC1: BP4, BP7

Labcorp Genetics (formerly Invitae), Labcorp
Classification: Likely benign for Tuberous sclerosis 1. Last evaluated: 2025-11-16. Review status: criteria provided, single submitter. Criteria: Invitae Variant Classification Sherloc (09022015). Collection method: clinical testing. Allele origin: germline.

Myriad Genetics, Inc.
Classification: Benign for Tuberous sclerosis 1. Last evaluated: 2025-04-29. Review status: criteria provided, single submitter. Criteria: Myriad Autosomal Dominant, Autosomal Recessive and X-Linked Classification Criteria (2023). Collection method: clinical testing. Allele origin: unknown.
Comment: This variant is considered benign. This variant is a silent/synonymous amino acid change and it is not expected to impact splicing.

All of Us Research Program, National Institutes of Health
Classification: Likely benign for Tuberous sclerosis syndrome. Last evaluated: 2023-10-27. Review status: criteria provided, single submitter. Criteria: ACMG Guidelines, 2015. Collection method: clinical testing. Allele origin: germline. Inheritance: Autosomal dominant inheritance. Observed: 3 variant alleles, 3 heterozygotes.
Comment: This study involves interpretation of variants in research participants for the purpose of population health screening. Participant phenotype was not available at the time of variant classification. Additional details can be found in publication PMID: 35346344, PMCID: PMC8962531

Genome-Nilou Lab
Classification: Benign for Tuberous sclerosis 1. Last evaluated: 2021-11-07. Review status: criteria provided, single submitter. Criteria: ACMG Guidelines, 2015. Collection method: clinical testing. Allele origin: germline. Affected: no.

Ambry Genetics
Classification: Likely benign for Hereditary cancer-predisposing syndrome. Last evaluated: 2018-03-07. Review status: criteria provided, single submitter. Criteria: Ambry Variant Classification Scheme 2023. Collection method: clinical testing. Allele origin: germline.

NM_000368.5(TSC1):c.2766T>G (p.Leu922=)

Gene: TSC1 (TSC complex subunit 1; minus strand). Cytogenetic location: 9q34.13.
Variant type: single nucleotide variant.
Coding change: c.2766T>G on transcript NM_000368.5 (MANE Select); coding-DNA position 2766, T replaced by G.
Protein change: p.Leu922=; no amino-acid change (leucine 922 retained).
Molecular consequence: synonymous variant.
Genome position (GRCh38, 1-based): chr9:132,897,470, A>C on the plus strand (T>G on the coding strand, the complement: TSC1 is on the minus strand). VCF-style: chr9-132897470-A-C. GRCh37 (hg19) VCF-style: chr9-135772857-A-C.
Other names: c.2763T>G, p.Leu921= (NM_001162426.2); c.2613T>G, p.Leu871= (NM_001162427.2); c.2403T>G, p.Leu801= (NM_001362177.2).
Identifiers: ClinVar variation 466099 (VCV000466099.22), dbSNP rs546119844, ClinGen allele CA034552.